The following is an entry in ClinVar:

NM_000543.5(SMPD1):c.1821dup (p.Leu608fs)

Gene: SMPD1 (sphingomyelin phosphodiesterase 1; plus strand). Cytogenetic location: 11p15.4.
Variant type: Duplication.
Coding change: c.1821dup on transcript NM_000543.5 (MANE Select); coding-DNA position 1821, one base duplicated (T; older notation c.1821dupT).
Protein change: p.Leu608fs; shifts the reading frame from leucine 608.
Molecular consequence: frameshift variant. On other transcripts: 3 prime UTR variant (1), non-coding transcript variant (2).
Genome position (GRCh38, 1-based): chr11:6,394,532, T duplicated. VCF-style (leftmost placement, unchanged base first): chr11-6394531-C-CT. GRCh37 (hg19) VCF-style: chr11-6415761-C-CT.
Other names: c.1818dup, p.Leu607fs (NM_001007593.3); c.*314dup (NM_001318087.2); c.900dup, p.Leu301fs (NM_001318088.2); c.1689dup, p.Leu564fs (NM_001365135.2); short protein forms L301fs, L564fs, L607fs, L608fs.
Identifiers: ClinVar variation 4814351 (VCV004814351.1).

ClinVar aggregate classification (germline): Likely pathogenic (1 of 4 stars; one submission).

Conditions:
Niemann-Pick disease, type A. Also called: SPHINGOMYELIN LIPIDOSIS; SPHINGOMYELINASE DEFICIENCY; Infantile Neurovisceral ASMD (Niemann-Pick Disease Type A; NPD-A). Identifiers: Orphanet 77292, MedGen C0268242, MONDO:0009756, OMIM 257200. Disease mechanism: loss of function.

Submission:

Natera, Inc.
Classification: Likely pathogenic for Niemann-Pick Disease, Types A/B. Last evaluated: 2024-08-13. Review status: criteria provided, single submitter. Criteria: Natera Variant Classification Schema (03/2026). Collection method: clinical testing. Allele origin: germline.
Comment: The c.1821dup variant in SMPD1 is a frameshift variant predicted to elongate the protein beyond the termination codon. This variant is expected to result in nonsense mediated decay, truncation, or a dysfunctional protein product. This variant is rare in the general population with a frequency below the threshold expected for the associated phenotype(s). Given the available evidence, this variant is classified as Likely Pathogenic.